The following is an entry in ClinVar:

ClinVar aggregate classification (germline): Uncertain significance. Review status: criteria provided, multiple submitters, no conflicts (2 of 4 stars). 3 submissions from 3 submitters: Uncertain significance (3). Last evaluated 2025-12-18.

Conditions:
Hereditary cancer-predisposing syndrome. Also called: Hereditary Cancer Syndrome; Hereditary neoplastic syndrome; Neoplastic Syndromes, Hereditary; Tumor predisposition. Identifiers: Orphanet 140162, MedGen C0027672, MeSH D009386, MONDO:0015356.
Oligodontia-cancer predisposition syndrome. Also called: TOOTH AGENESIS-COLORECTAL CANCER SYNDROME. Identifiers: Orphanet 300576, MedGen C1837750, MONDO:0012075, OMIM 608615. Disease mechanism: loss of function.

Submissions (3):

Labcorp Genetics (formerly Invitae), Labcorp
Classification: Uncertain significance for Oligodontia-cancer predisposition syndrome. Last evaluated: 2025-12-18. Review status: criteria provided, single submitter. Criteria: Invitae Variant Classification Sherloc (09022015). Collection method: clinical testing. Allele origin: germline.
Comment: This sequence change replaces proline, which is neutral and non-polar, with arginine, which is basic and polar, at codon 279 of the AXIN2 protein (p.Pro279Arg). This variant is not present in population databases (gnomAD no frequency). This variant has not been reported in the literature in individuals affected with AXIN2-related conditions. ClinVar contains an entry for this variant (Variation ID: 408816). Invitae Evidence Modeling of protein sequence and biophysical properties (such as structural, functional, and spatial information, amino acid conservation, physicochemical variation, residue mobility, and thermodynamic stability) indicates that this missense variant is not expected to disrupt AXIN2 protein function with a negative predictive value of 80%. In summary, the available evidence is currently insufficient to determine the role of this variant in disease. Therefore, it has been classified as a Variant of Uncertain Significance.

Ambry Genetics
Classification: Uncertain significance for Hereditary cancer-predisposing syndrome. Last evaluated: 2024-08-23. Review status: criteria provided, single submitter. Criteria: Ambry Variant Classification Scheme 2023. Collection method: clinical testing. Allele origin: germline.
Comment: The p.P279R variant (also known as c.836C>G), located in coding exon 2 of the AXIN2 gene, results from a C to G substitution at nucleotide position 836. The proline at codon 279 is replaced by arginine, an amino acid with dissimilar properties. This alteration has been observed in at least one individual with a personal history of multiple adenomatous polyps (Ambry internal data). This amino acid position is well conserved in available vertebrate species. In addition, the in silico prediction for this alteration is inconclusive. Based on the available evidence, the clinical significance of this variant remains unclear.

GeneDx
Classification: Uncertain significance. Last evaluated: 2023-07-12. Review status: criteria provided, single submitter. Criteria: GeneDx Variant Classification Process June 2021. Collection method: clinical testing. Allele origin: germline. Affected: yes.
Comment: Not observed at significant frequency in large population cohorts (gnomAD); In silico analysis supports that this missense variant has a deleterious effect on protein structure/function; Has not been previously published as pathogenic or benign to our knowledge

NM_004655.4(AXIN2):c.836C>G (p.Pro279Arg)

Gene: AXIN2 (axin 2; minus strand). Cytogenetic location: 17q24.1.
Variant type: single nucleotide variant.
Coding change: c.836C>G on transcript NM_004655.4 (MANE Select); coding-DNA position 836, C replaced by G.
Protein change: p.Pro279Arg; replaces proline 279 with arginine.
Molecular consequence: missense variant.
Genome position (GRCh38, 1-based): chr17:65,549,640, G>C on the plus strand (C>G on the coding strand, the complement: AXIN2 is on the minus strand). VCF-style: chr17-65549640-G-C. GRCh37 (hg19) VCF-style: chr17-63545758-G-C.
Other names: c.836C>G (LRG_296t1); c.836C>G, p.Pro279Arg (NM_001363813.1); short protein forms P279R.
Identifiers: ClinVar variation 408816 (VCV000408816.17), dbSNP rs768915721, ClinGen allele CA16615613.